The following is an entry in ClinVar:

ClinVar aggregate classification (germline): Pathogenic/Likely pathogenic. Review status: criteria provided, multiple submitters, no conflicts (2 of 4 stars). 4 submissions from 4 submitters: Pathogenic (2); Likely pathogenic (2). Last evaluated 2025-05-27.

Conditions:
Tubulinopathy. Also called: Tubulinopathies. Identifiers: MedGen CN850169, MONDO:0100153.
Inborn genetic diseases. Identifiers: MedGen C0950123, MeSH D030342.

Submissions (4):

Victorian Clinical Genetics Services, Murdoch Childrens Research Institute
Classification: Pathogenic for Tubulinopathy. Last evaluated: 2025-05-27. Review status: criteria provided, single submitter. Criteria: ACMG Guidelines, 2015. Collection method: clinical testing. Allele origin: germline. Affected: yes.
Comment: This variant is classified as Pathogenic. Evidence in support of pathogenic classification: Variant is absent from gnomAD (v2, v3 and v4); This variant has strong previous evidence of pathogenicity in unrelated individuals. This variant has been classified as pathogenic and likely pathogenic by clinical laboratories in ClinVar, and reported in the literature in individuals with TUBA1A-related features (Fasham, J. et al. (2025), PMIDs: 32005694, 33528536, DECIPHER, personal communication); Another missense variant comparable to the one identified in this case has limited previous evidence for pathogenicity. p.(Asp127Glu) has been reported in the literature, de novo, in an individual diagnosed with tubulinopathy (PMID: 29907476); Missense variant in a region that is highly intolerant to missense variation (high constraint region in DECIPHER); Additional information: Variant is predicted to result in a missense amino acid change from aspartic acid to asparagine; This variant is heterozygous; This gene is associated with autosomal dominant disease; Missense variant with inconclusive in silico prediction and/or uninformative conservation; Dominant negative is a known mechanism of disease in this gene and is associated with lissencephaly 3 (MIM#61160), resulting in defects in protein stability (PMIDs: 20466733, 30517687). A phenotypic spectrum including congenital fibrosis of the extraocular muscles has also been described (PMID: 33649541).

GeneDx
Classification: Pathogenic. Last evaluated: 2022-02-23. Review status: criteria provided, single submitter. Criteria: GeneDx Variant Classification Process June 2021. Collection method: clinical testing. Allele origin: germline. Affected: yes.
Comment: Not observed at significant frequency in large population cohorts (gnomAD); In silico analysis supports that this missense variant has a deleterious effect on protein structure/function; Missense variants in this gene are often considered pathogenic (HGMD); A different missense change at this residue p.(D127E) has been reported in the published literature (Sato et al., 2018); This variant is associated with the following publications: (PMID: 29907476, 24860126, 32005694, 30744660, 6945576, 3680207)

Ambry Genetics
Classification: Likely pathogenic for Inborn genetic diseases. Last evaluated: 2018-08-29. Review status: criteria provided, single submitter. Criteria: Ambry exome assertion method (8-5-2015). Collection method: clinical testing. Allele origin: germline. Affected: yes. Observed: 2 variant alleles.

Institute of Human Genetics, FAU Erlangen, Friedrich-Alexander-Universität Erlangen-Nürnberg
Classification: Likely pathogenic for Tubulinopathies. Last evaluated: 2018-07-01. Review status: criteria provided, single submitter. Criteria: ACMG Guidelines, 2015. Collection method: literature only. Allele origin: germline. Affected: yes. Observed: 1 variant allele.
Comment: The c.379G>A, p.(Asp127Asn) variant has been reported as a variant of germline/unknown origin.

Literature cited by the submitters: PubMed 20466733 (cited by Victorian Clinical Genetics Services, Murdoch Childrens Research Institute); PubMed 30517687 (cited by Victorian Clinical Genetics Services, Murdoch Childrens Research Institute); PubMed 33528536 (cited by Victorian Clinical Genetics Services, Murdoch Childrens Research Institute); PubMed 33649541 (cited by Victorian Clinical Genetics Services, Murdoch Childrens Research Institute); PubMed 32005694 (cited by Victorian Clinical Genetics Services, Murdoch Childrens Research Institute); PubMed 29907476 (cited by Victorian Clinical Genetics Services, Murdoch Childrens Research Institute and Ambry Genetics); PubMed 24860126 (cited by Ambry Genetics); PubMed 3680207 (cited by Ambry Genetics); PubMed 6945576 (cited by Ambry Genetics); PubMed 30744660 (cited by Institute of Human Genetics, FAU Erlangen, Friedrich-Alexander-Universität Erlangen-Nürnberg); DOI 10.1101/427948 (cited by Institute of Human Genetics, FAU Erlangen, Friedrich-Alexander-Universität Erlangen-Nürnberg).

NM_006009.4(TUBA1A):c.379G>A (p.Asp127Asn)

Gene: TUBA1A (tubulin alpha 1a; minus strand). Cytogenetic location: 12q13.12.
Variant type: single nucleotide variant.
Coding change: c.379G>A on transcript NM_006009.4 (MANE Select); coding-DNA position 379, G replaced by A.
Protein change: p.Asp127Asn; replaces aspartic acid 127 with asparagine.
Molecular consequence: missense variant.
Genome position (GRCh38, 1-based): chr12:49,185,987, C>T on the plus strand (G>A on the coding strand, the complement: TUBA1A is on the minus strand). VCF-style: chr12-49185987-C-T. GRCh37 (hg19) VCF-style: chr12-49579770-C-T.
Other names: c.379G>A, p.Asp127Asn (NM_001270399.2); c.274G>A, p.Asp92Asn (NM_001270400.2); short protein forms D127N, D92N.
Identifiers: ClinVar variation 427180 (VCV000427180.11), dbSNP rs1085308005, ClinGen allele CA384642902.